The following is an entry in ClinVar:

NM_000089.4(COL1A2):c.979C>T (p.Arg327Cys)

Gene: COL1A2 (collagen type I alpha 2 chain; plus strand). Cytogenetic location: 7q21.3.
Variant type: single nucleotide variant.
Coding change: c.979C>T on transcript NM_000089.4 (MANE Select); coding-DNA position 979, C replaced by T.
Protein change: p.Arg327Cys; replaces arginine 327 with cysteine.
Molecular consequence: missense variant.
Genome position (GRCh38, 1-based): chr7:94,409,765, C>T. VCF-style: chr7-94409765-C-T. GRCh37 (hg19) VCF-style: chr7-94039077-C-T.
Other names: short protein forms R327C.
Identifiers: ClinVar variation 2068285 (VCV002068285.6), dbSNP rs760682336, ClinGen allele CA4346899.

ClinVar aggregate classification (germline): Uncertain significance. Review status: criteria provided, multiple submitters, no conflicts (2 of 4 stars). 2 submissions from 2 submitters: Uncertain significance (2). Last evaluated 2026-08-26.

Conditions:
Osteogenesis imperfecta type I (OI1). Also called: OI, TYPE I; OSTEOGENESIS IMPERFECTA TARDA; OSTEOGENESIS IMPERFECTA WITH BLUE SCLERAE; Osteogenesis imperfecta type 1; Lobstein's Disease; Lobstein disease. Identifiers: Orphanet 216796, Orphanet 666, MedGen C0023931, MONDO:0008146, OMIM 166200. Disease mechanism: loss of function.
Ehlers-Danlos syndrome, classic type, 1 (EDSCL1). Also called: EHLERS-DANLOS SYNDROME, GRAVIS TYPE; EHLERS-DANLOS SYNDROME, SEVERE CLASSIC TYPE; Ehlers-Danlos syndrome, type 1; EDS I; Ehlers-Danlos Syndrome, Classic Type, COL5A1-Related. Identifiers: MedGen C0268335, MONDO:0019567, OMIM 130000.

Allele frequency attached by ClinVar (database versions not stated): TOPMed 0.00003; gnomAD 0.00007; ExAC 0.00001; gnomAD exomes 0.00001.
gnomAD v4.1: 25 of 1,614,012 alleles (0.0015%); highest among the groups gnomAD compares: Admixed American, 0.023%; no homozygotes.

Submissions (2):

GeneDx
Classification: Uncertain significance. Last evaluated: 2026-08-26. Review status: criteria provided, single submitter. Criteria: GeneDx Variant Classification Process June 2021. Collection method: clinical testing. Allele origin: germline.
Comment: In silico analysis supports that this missense variant has a deleterious effect on protein structure/function; Has not been previously published in an individual with COL1A2-related disease as pathogenic or benign to our knowledge; Occurs in the triple helical domain at the Y position in the canonical Gly-X-Y repeat; although this variant may have an effect on normal protein folding and function, missense substitution at the Y position is not a common mechanism of disease (HGMD); This variant is associated with the following publications: (PMID: 35982160, 29346770, 35982159, 28714951)

Labcorp Genetics (formerly Invitae), Labcorp
Classification: Uncertain significance for Osteogenesis imperfecta type I; Ehlers-Danlos syndrome, classic type, 1. Last evaluated: 2025-08-01. Review status: criteria provided, single submitter. Criteria: Invitae Variant Classification Sherloc (09022015). Collection method: clinical testing. Allele origin: germline.
Comment: This sequence change replaces arginine, which is basic and polar, with cysteine, which is neutral and slightly polar, at codon 327 of the COL1A2 protein (p.Arg327Cys). The frequency data for this variant in the population databases is considered unreliable, as metrics indicate poor data quality at this position in the gnomAD database. This variant has not been reported in the literature in individuals affected with COL1A2-related conditions. ClinVar contains an entry for this variant (Variation ID: 2068285). Invitae Evidence Modeling of protein sequence and biophysical properties (such as structural, functional, and spatial information, amino acid conservation, physicochemical variation, residue mobility, and thermodynamic stability) indicates that this missense variant is expected to disrupt COL1A2 protein function with a positive predictive value of 95%. In summary, the available evidence is currently insufficient to determine the role of this variant in disease. Therefore, it has been classified as a Variant of Uncertain Significance.